The following is an entry in ClinVar:

ClinVar aggregate classification (germline): Conflicting classifications of pathogenicity. Review status: criteria provided, conflicting classifications (1 of 4 stars). 12 submissions from 8 submitters: Pathogenic (1); Likely pathogenic (1); Uncertain significance (7). 3 of the submissions do not count toward it. Last evaluated 2025-04-28.

Conditions:
Leber congenital amaurosis (LCA). Also called: Leber's amaurosis. Identifiers: Orphanet 65, MedGen C0339527, MeSH D057130, MONDO:0018998.
Leber congenital amaurosis 8 (LCA8). Identifiers: Orphanet 65, MedGen C3151202, MONDO:0013453, OMIM 613835.
Retinitis pigmentosa 12 (RP12). Also called: RP WITH OR WITHOUT PPRPE; RP WITH OR WITHOUT PRESERVED PARAARTERIOLE RETINAL PIGMENT EPITHELIUM; RETINITIS PIGMENTOSA WITH OR WITHOUT PARAARTERIOLAR PRESERVATION OF RETINAL PIGMENT EPITHELIUM. Identifiers: Orphanet 791, MedGen C1838647, MONDO:0010818, OMIM 600105.
Retinitis pigmentosa (RP). Identifiers: Orphanet 791, MedGen C0035334, MeSH D012174, MONDO:0019200, OMIM 268000. Inheritance: Autosomal dominant, autosomal recessive and X linked inheritance.
CRB1-related disorder. Also called: CRB1-related condition; CRB1-related disorders.
Pigmented paravenous retinochoroidal atrophy. Identifiers: Orphanet 251295, MedGen C1868310, MONDO:0008246, OMIM 172870.

Allele frequency attached by ClinVar (database versions not stated): gnomAD exomes below 0.00001; TOPMed below 0.00001.
gnomAD v4.1: 9 of 1,614,154 alleles (0.00056%); highest among the groups gnomAD compares: African/African-American, 0.0027%; no homozygotes.

Submissions (12):

Labcorp Genetics (formerly Invitae), Labcorp
Classification: Uncertain significance for Leber congenital amaurosis 8; Retinitis pigmentosa 12. Last evaluated: 2025-04-28. Review status: criteria provided, single submitter. Criteria: Invitae Variant Classification Sherloc (09022015). Collection method: clinical testing. Allele origin: germline.
Comment: This sequence change replaces arginine, which is basic and polar, with cysteine, which is neutral and slightly polar, at codon 686 of the CRB1 protein (p.Arg686Cys). The frequency data for this variant in the population databases is considered unreliable, as metrics indicate poor data quality at this position in the gnomAD database. This missense change has been observed in individual(s) with clinical features of retinitis pigmentosa (PMID: 30029497, 33090715, 35538629). In at least one individual the data is consistent with being in trans (on the opposite chromosome) from a pathogenic variant. ClinVar contains an entry for this variant (Variation ID: 874427). Invitae Evidence Modeling of protein sequence and biophysical properties (such as structural, functional, and spatial information, amino acid conservation, physicochemical variation, residue mobility, and thermodynamic stability) has been performed for this missense variant. However, the output from this modeling did not meet the statistical confidence thresholds required to predict the impact of this variant on CRB1 protein function. In summary, the available evidence is currently insufficient to determine the role of this variant in disease. Therefore, it has been classified as a Variant of Uncertain Significance.

Baylor Genetics
Classification: Likely pathogenic for Leber congenital amaurosis 8. Last evaluated: 2024-02-29. Review status: criteria provided, single submitter. Criteria: ACMG Guidelines, 2015. Collection method: clinical testing. Allele origin: unknown.

Genome-Nilou Lab
Classification: Uncertain significance for Leber congenital amaurosis 8. Last evaluated: 2023-04-11. Review status: criteria provided, single submitter. Criteria: ACMG Guidelines, 2015. Collection method: clinical testing. Allele origin: germline. Affected: no.

Genome-Nilou Lab
Classification: Uncertain significance for Pigmented paravenous retinochoroidal atrophy. Last evaluated: 2023-04-11. Review status: criteria provided, single submitter. Criteria: ACMG Guidelines, 2015. Collection method: clinical testing. Allele origin: germline. Affected: no.

Genome-Nilou Lab
Classification: Uncertain significance for Retinitis pigmentosa 12. Last evaluated: 2023-04-11. Review status: criteria provided, single submitter. Criteria: ACMG Guidelines, 2015. Collection method: clinical testing. Allele origin: germline. Affected: no.

Blueprint Genetics
Classification: Pathogenic for CRB1-related disorders. Last evaluated: 2021-02-16. Review status: criteria provided, single submitter. Criteria: ACMG Guidelines, 2015. Collection method: clinical testing. Allele origin: germline. Affected: yes. Observed: 3 variant alleles.

Illumina Laboratory Services, Illumina
Classification: Uncertain significance for Retinitis pigmentosa. Last evaluated: 2018-01-13. Review status: criteria provided, single submitter. Criteria: ICSL Variant Classification Criteria 13 December 2019. Collection method: clinical testing. Allele origin: germline.

Illumina Laboratory Services, Illumina
Classification: Uncertain significance for Leber congenital amaurosis 8. Last evaluated: 2018-01-13. Review status: criteria provided, single submitter. Criteria: ICSL Variant Classification Criteria 13 December 2019. Collection method: clinical testing. Allele origin: germline.

Illumina Laboratory Services, Illumina
Classification: Uncertain significance for Pigmented paravenous retinochoroidal atrophy. Last evaluated: 2018-01-13. Review status: criteria provided, single submitter. Criteria: ICSL Variant Classification Criteria 13 December 2019. Collection method: clinical testing. Allele origin: germline.

Natera, Inc.
Classification: Uncertain significance for Leber congenital amaurosis. Last evaluated: 2020-02-19. Review status: no assertion criteria provided. Collection method: clinical testing. Allele origin: germline. Not counted in ClinVar's aggregate classification.

Clinical Genetics, Academic Medical Center
Classification: Uncertain significance. Review status: no assertion criteria provided. Collection method: clinical testing. Allele origin: germline. Affected: yes. Study: VKGL Data-share Consensus. Not counted in ClinVar's aggregate classification.

Joint Genome Diagnostic Labs from Nijmegen and Maastricht, Radboudumc and MUMC+
Classification: Uncertain significance. Review status: no assertion criteria provided. Collection method: clinical testing. Allele origin: germline. Affected: yes. Study: VKGL Data-share Consensus. Not counted in ClinVar's aggregate classification.

Literature cited by the submitters: PubMed 30029497 (cited by Labcorp Genetics (formerly Invitae), Labcorp); PubMed 33090715 (cited by Labcorp Genetics (formerly Invitae), Labcorp); PubMed 35538629 (cited by Labcorp Genetics (formerly Invitae), Labcorp).

NM_201253.3(CRB1):c.2056C>T (p.Arg686Cys)

Gene: CRB1 (crumbs cell polarity complex component 1; plus strand). Cytogenetic location: 1q31.3.
Variant type: single nucleotide variant.
Coding change: c.2056C>T on transcript NM_201253.3 (MANE Select); coding-DNA position 2056, C replaced by T.
Protein change: p.Arg686Cys; replaces arginine 686 with cysteine.
Molecular consequence: missense variant. On other transcripts: non-coding transcript variant (2).
Genome position (GRCh38, 1-based): chr1:197,421,884, C>T. VCF-style: chr1-197421884-C-T. GRCh37 (hg19) VCF-style: chr1-197391014-C-T.
Other names: c.1720C>T, p.Arg574Cys (NM_001193640.2); c.1849C>T, p.Arg617Cys (NM_001257965.2); c.2056C>T, p.Arg686Cys (NM_001257966.2); short protein forms R617C, R574C, R686C.
Identifiers: ClinVar variation 874427 (VCV000874427.19), dbSNP rs1204363918, ClinGen allele CA344033795.